The following is an entry in ClinVar:

NM_001572.5(IRF7):c.1228T>C (p.Phe410Leu)

Gene: IRF7 (interferon regulatory factor 7; minus strand). Cytogenetic location: 11p15.5.
Variant type: single nucleotide variant.
Coding change: c.1228T>C on transcript NM_001572.5 (MANE Select); coding-DNA position 1228, T replaced by C.
Protein change: p.Phe410Leu; replaces phenylalanine 410 with leucine.
Molecular consequence: missense variant.
Genome position (GRCh38, 1-based): chr11:613,215, A>G on the plus strand (T>C on the coding strand, the complement: IRF7 is on the minus strand). VCF-style: chr11-613215-A-G. GRCh37 (hg19) VCF-style: chr11-613215-A-G.
Other names: c.1141T>C, p.Phe381Leu (NM_004029.4); c.1267T>C, p.Phe423Leu (NM_004031.4); short protein forms F410L, F423L, F381L.
Identifiers: ClinVar variation 2756814 (VCV002756814.3), dbSNP rs786205223, ClinGen allele CA378978452.

ClinVar aggregate classification (germline): Uncertain significance (1 of 4 stars; one submission).

Conditions:
Immunodeficiency 39 (IMD39). Identifiers: Orphanet 574918, MedGen C4225358, MONDO:0014597, OMIM 616345.

Submission:

Labcorp Genetics (formerly Invitae), Labcorp
Classification: Uncertain significance for Immunodeficiency 39. Last evaluated: 2024-10-22. Review status: criteria provided, single submitter. Criteria: Invitae Variant Classification Sherloc (09022015). Collection method: clinical testing. Allele origin: germline.
Comment: This sequence change replaces phenylalanine, which is neutral and non-polar, with leucine, which is neutral and non-polar, at codon 423 of the IRF7 protein (p.Phe423Leu). This variant is not present in population databases (gnomAD no frequency). This variant has not been reported in the literature in individuals affected with IRF7-related conditions. Invitae Evidence Modeling of protein sequence and biophysical properties (such as structural, functional, and spatial information, amino acid conservation, physicochemical variation, residue mobility, and thermodynamic stability) indicates that this missense variant is expected to disrupt IRF7 protein function with a positive predictive value of 80%. In summary, the available evidence is currently insufficient to determine the role of this variant in disease. Therefore, it has been classified as a Variant of Uncertain Significance.